The following is an entry in ClinVar:

NM_004304.5(ALK):c.4292A>C (p.Lys1431Thr)

Gene: ALK (ALK receptor tyrosine kinase; minus strand). Cytogenetic location: 2p23.2.
Variant type: single nucleotide variant.
Coding change: c.4292A>C on transcript NM_004304.5 (MANE Select); coding-DNA position 4292, A replaced by C.
Protein change: p.Lys1431Thr; replaces lysine 1431 with threonine.
Molecular consequence: missense variant.
Genome position (GRCh38, 1-based): chr2:29,193,795, T>G on the plus strand (A>C on the coding strand, the complement: ALK is on the minus strand). VCF-style: chr2-29193795-T-G. GRCh37 (hg19) VCF-style: chr2-29416661-T-G.
Other names: c.4292A>C (NM_004304.4); c.1088A>C, p.Lys363Thr (NM_001353765.2); short protein forms K1431T, K363T.
Identifiers: ClinVar variation 2979300 (VCV002979300.4), dbSNP rs2148138797, ClinGen allele CA346462767.
Genomic context (GRCh38, chr2:29,193,795, plus strand): 5'-TTGCCAGAGGAGGTGGTAGGCAGAGGTGGTGGGGCAGCTGGGCTGCGCTCCTCCTCCCGT[T>G]TTGCCTGTTGAGAGACCAGGAGAGGAGGAACCCCCTCAGGGTCCTTGGGCCTCACAGGCA-3'
Protein context (NP_004295.2, residues 1421-1441): VPPLLVSQQA[Lys1431Thr]REEERSPAAP

ClinVar aggregate classification (germline): Uncertain significance. Review status: criteria provided, multiple submitters, no conflicts (2 of 4 stars). 2 submissions from 2 submitters: Uncertain significance (2). Last evaluated 2025-12-16.

Conditions:
Neuroblastoma, susceptibility to, 3. Also called: ALK-Related Neuroblastic Tumor Susceptibility. Identifiers: Orphanet 635, MedGen C2751681, MONDO:0013083, OMIM 613014.
Hereditary cancer-predisposing syndrome. Also called: Neoplastic Syndromes, Hereditary; Tumor predisposition; Hereditary Cancer Syndrome; Hereditary neoplastic syndrome. Identifiers: Orphanet 140162, MedGen C0027672, MeSH D009386, MONDO:0015356.

Submissions (2):

Ambry Genetics
Classification: Uncertain significance for Hereditary cancer-predisposing syndrome. Last evaluated: 2025-12-16. Review status: criteria provided, single submitter. Criteria: Ambry Variant Classification Scheme 2023. Collection method: clinical testing. Allele origin: germline.
Comment: The p.K1431T variant (also known as c.4292A>C), located in coding exon 29 of the ALK gene, results from an A to C substitution at nucleotide position 4292. The lysine at codon 1431 is replaced by threonine, an amino acid with similar properties. This amino acid position is conserved. In addition, this alteration is predicted to be tolerated by in silico analysis. Based on the available evidence, the clinical significance of this variant remains unclear.

Labcorp Genetics (formerly Invitae), Labcorp
Classification: Uncertain significance for Neuroblastoma, susceptibility to, 3. Last evaluated: 2023-09-25. Review status: criteria provided, single submitter. Criteria: Invitae Variant Classification Sherloc (09022015). Collection method: clinical testing. Allele origin: germline.
Comment: In summary, the available evidence is currently insufficient to determine the role of this variant in disease. Therefore, it has been classified as a Variant of Uncertain Significance. An algorithm developed to predict the effect of missense changes on protein structure and function (PolyPhen-2) suggests that this variant is likely to be tolerated. This variant has not been reported in the literature in individuals affected with ALK-related conditions. This variant is not present in population databases (gnomAD no frequency). This sequence change replaces lysine, which is basic and polar, with threonine, which is neutral and polar, at codon 1431 of the ALK protein (p.Lys1431Thr).